The following is an entry in ClinVar:

ClinVar aggregate classification (germline): Uncertain significance. Review status: criteria provided, multiple submitters, no conflicts (2 of 4 stars). 2 submissions from 2 submitters: Uncertain significance (2). Last evaluated 2024-10-23.

Allele frequency attached by ClinVar (database versions not stated): gnomAD exomes 0.00002; ESP Exome Variant Server 0.00008; ExAC 0.00010; gnomAD 0.00013; TOPMed 0.00016; 1000 Genomes Project 30x 0.00031.
gnomAD v4.1: 106 of 1,613,888 alleles (0.0066%); highest among the groups gnomAD compares: East Asian, 0.06%; 1 homozygote.

Submissions (2):

Labcorp Genetics (formerly Invitae), Labcorp
Classification: Uncertain significance. Last evaluated: 2024-10-23. Review status: criteria provided, single submitter. Criteria: Invitae Variant Classification Sherloc (09022015). Collection method: clinical testing. Allele origin: germline.
Comment: This sequence change replaces arginine, which is basic and polar, with glycine, which is neutral and non-polar, at codon 303 of the NDUFAF7 protein (p.Arg303Gly). This variant is present in population databases (rs376638836, gnomAD 0.06%), and has an allele count higher than expected for a pathogenic variant. This variant has not been reported in the literature in individuals affected with NDUFAF7-related conditions. An algorithm developed to predict the effect of missense changes on protein structure and function (PolyPhen-2) suggests that this variant is likely to be disruptive. In summary, the available evidence is currently insufficient to determine the role of this variant in disease. Therefore, it has been classified as a Variant of Uncertain Significance.

Ambry Genetics
Classification: Uncertain significance. Last evaluated: 2024-01-04. Review status: criteria provided, single submitter. Criteria: Ambry Variant Classification Scheme 2023. Collection method: clinical testing. Allele origin: germline.

NM_144736.5(NDUFAF7):c.1201A>G (p.Arg401Gly)

Gene: NDUFAF7 (NADH:ubiquinone oxidoreductase complex assembly factor 7; plus strand). Cytogenetic location: 2p22.2.
Variant type: single nucleotide variant.
Coding change: c.1201A>G on transcript NM_144736.5 (MANE Select); coding-DNA position 1201, A replaced by G.
Protein change: p.Arg401Gly; replaces arginine 401 with glycine.
Molecular consequence: missense variant. On other transcripts: non-coding transcript variant (10), intron variant (2).
Genome position (GRCh38, 1-based): chr2:37,248,225, A>G. VCF-style: chr2-37248225-A-G. GRCh37 (hg19) VCF-style: chr2-37475368-A-G.
Other names: c.907A>G, p.Arg303Gly (NM_001083946.2); c.988A>G, p.Arg330Gly (NM_001350027.2); c.1111-33A>G (NM_001350024.2); c.1030-33A>G (NM_001350025.2); short protein forms R303G, R330G, R401G.
Identifiers: ClinVar variation 3187719 (VCV003187719.3), dbSNP rs376638836, ClinGen allele CA1617433.